The following is an entry in ClinVar:

ClinVar aggregate classification (germline): Uncertain significance (1 of 4 stars; one submission).

Conditions:
Arrhythmogenic right ventricular dysplasia 13. Also called: ARRHYTHMOGENIC RIGHT VENTRICULAR CARDIOMYOPATHY 13; Arrhythmogenic right ventricular dysplasia, familial, 13. Identifiers: MedGen C3810138, MONDO:0000908, OMIM 615616.

Submission:

Labcorp Genetics (formerly Invitae), Labcorp
Classification: Uncertain significance for Arrhythmogenic right ventricular dysplasia 13. Last evaluated: 2023-05-07. Review status: criteria provided, single submitter. Criteria: Invitae Variant Classification Sherloc (09022015). Collection method: clinical testing. Allele origin: germline.
Comment: In summary, the available evidence is currently insufficient to determine the role of this variant in disease. Therefore, it has been classified as a Variant of Uncertain Significance. This variant has not been reported in the literature in individuals affected with CTNNA3-related conditions. This variant is a gross deletion of the genomic region encompassing exon(s) 9-10 of the CTNNA3 gene. This variant would be expected to be in-frame, preserving the integrity of the reading frame.

NC_000010.10:g.(?_68381430)_(68526194_?)del

Gene: CTNNA3 (catenin alpha 3; minus strand). Cytogenetic location: 10q21.3.
Variant type: Deletion.
Identifiers: ClinVar variation 474809 (VCV000474809.6).